The following is an entry in ClinVar:

ClinVar aggregate classification (germline): Uncertain significance (1 of 4 stars; one submission).

Submission:

Labcorp Genetics (formerly Invitae), Labcorp
Classification: Uncertain significance. Last evaluated: 2021-12-10. Review status: criteria provided, single submitter. Criteria: Invitae Variant Classification Sherloc (09022015). Collection method: clinical testing. Allele origin: germline.
Comment: In summary, the available evidence is currently insufficient to determine the role of this variant in disease. Therefore, it has been classified as a Variant of Uncertain Significance. Algorithms developed to predict the effect of missense changes on protein structure and function (SIFT, PolyPhen-2, Align-GVGD) all suggest that this variant is likely to be tolerated. This variant has not been reported in the literature in individuals affected with RUSC2-related conditions. This variant is not present in population databases (gnomAD no frequency). This sequence change replaces glycine, which is neutral and non-polar, with aspartic acid, which is acidic and polar, at codon 135 of the RUSC2 protein (p.Gly135Asp).

NM_014806.5(RUSC2):c.404G>A (p.Gly135Asp)

Gene: RUSC2 (RUN and SH3 domain containing 2; plus strand). Cytogenetic location: 9p13.3.
Variant type: single nucleotide variant.
Coding change: c.404G>A on transcript NM_014806.5 (MANE Select); coding-DNA position 404, G replaced by A.
Protein change: p.Gly135Asp; replaces glycine 135 with aspartic acid.
Molecular consequence: missense variant. On other transcripts: non-coding transcript variant (1), intron variant (1).
Genome position (GRCh38, 1-based): chr9:35,546,925, G>A. VCF-style: chr9-35546925-G-A. GRCh37 (hg19) VCF-style: chr9-35546922-G-A.
Other names: c.404G>A, p.Gly135Asp (NM_001135999.2); c.-620-8135G>A (NM_001330740.2); short protein forms G135D.
Identifiers: ClinVar variation 1396709 (VCV001396709.6), dbSNP rs2132551628, ClinGen allele CA373327002.
Genomic context (GRCh38, chr9:35,546,925, plus strand): 5'-GTGACCTGTATGATGACAGCATTGGTGACAGTGCCACCCAGCAGTCCTTCCACCTGCATG[G>A]CACTGGCCAGCCCAACTTTCATCTATCCTCTTTCCAGCTGCCACCATCTGGCCCCAGAGT-3'
Protein context (NP_055621.2, residues 125-145): SATQQSFHLH[Gly135Asp]TGQPNFHLSS